The following is an entry in ClinVar:

ClinVar aggregate classification (germline): Pathogenic (1 of 4 stars; one submission).

Conditions:
Spondyloenchondrodysplasia with immune dysregulation (SPENCDI). Also called: COMBINED IMMUNODEFICIENCY WITH AUTOIMMUNITY AND SPONDYLOMETAPHYSEAL DYSPLASIA; ROIFMAN IMMUNOSKELETAL SYNDROME; SPONDYLOENCHONDRODYSPLASIA WITH OR WITHOUT IMMUNE DYSREGULATION. Identifiers: Orphanet 1855, MedGen C1842763, MONDO:0011939, OMIM 607944.

Allele frequency attached by ClinVar (database versions not stated): gnomAD exomes below 0.00001; ExAC 0.00001.

Submission:

Labcorp Genetics (formerly Invitae), Labcorp
Classification: Pathogenic for Spondyloenchondrodysplasia with immune dysregulation. Last evaluated: 2022-03-07. Review status: criteria provided, single submitter. Criteria: Invitae Variant Classification Sherloc (09022015). Collection method: clinical testing. Allele origin: germline.
Comment: For these reasons, this variant has been classified as Pathogenic. This sequence change creates a premature translational stop signal (p.Ile121Leufs*38) in the ACP5 gene. It is expected to result in an absent or disrupted protein product. Loss-of-function variants in ACP5 are known to be pathogenic (PMID: 21217752, 21217755). This variant is present in population databases (rs749753832, gnomAD 0.0009%). This variant has not been reported in the literature in individuals affected with ACP5-related conditions.

Literature cited by the submitters: PubMed 21217752; PubMed 21217755.

NM_001611.5(ACP5):c.361del (p.Ile121fs)

Gene: ACP5 (acid phosphatase 5, tartrate resistant; minus strand). Cytogenetic location: 19p13.2.
Variant type: Deletion.
Coding change: c.361del on transcript NM_001611.5 (MANE Select); coding-DNA position 361, one base deleted (A; older notation c.361delA).
Protein change: p.Ile121fs; shifts the reading frame from isoleucine 121.
Molecular consequence: frameshift variant.
Genome position (GRCh38, 1-based): chr19:11,576,744, T deleted on the plus strand (A on the coding strand, the reverse complement: ACP5 is on the minus strand). VCF-style (leftmost placement, unchanged base first): chr19-11576743-AT-A. GRCh37 (hg19) VCF-style: chr19-11687558-AT-A.
Other names: c.361del, p.Ile121fs (NM_001111034.3, NM_001111035.3, NM_001111036.3 and 1 more transcripts); short protein forms I121fs.
Identifiers: ClinVar variation 1452268 (VCV001452268.6), dbSNP rs749753832, ClinGen allele CA9215442.